The following is an entry in ClinVar:

ClinVar aggregate classification (germline): Conflicting classifications of pathogenicity. Review status: criteria provided, conflicting classifications (1 of 4 stars). 2 submissions from 2 submitters: Uncertain significance (1); Likely benign (1). Last evaluated 2024-09-23.

Conditions:
Hereditary breast ovarian cancer syndrome. Also called: BRCA1- and BRCA2-Associated Hereditary Breast and Ovarian Cancer; Hereditary breast and/or ovarian cancer syndrome; Hereditary breast and ovarian cancer syndrome; Hereditary breast and ovarian cancer syndrome (HBOC); Breast and ovarian cancer; Hereditary breast and ovarian cancer. Identifiers: Orphanet 145, MedGen C0677776, MeSH D061325, MONDO:0003582. Disease mechanism: loss of function.
Hereditary cancer-predisposing syndrome. Also called: Tumor predisposition; Neoplastic Syndromes, Hereditary; Hereditary Cancer Syndrome; Hereditary neoplastic syndrome. Identifiers: Orphanet 140162, MedGen C0027672, MeSH D009386, MONDO:0015356.

Submissions (2):

Labcorp Genetics (formerly Invitae), Labcorp
Classification: Uncertain significance for Hereditary breast ovarian cancer syndrome. Last evaluated: 2024-09-23. Review status: criteria provided, single submitter. Criteria: Invitae Variant Classification Sherloc (09022015). Collection method: clinical testing. Allele origin: germline.
Comment: This sequence change replaces glutamic acid, which is acidic and polar, with glycine, which is neutral and non-polar, at codon 2037 of the BRCA2 protein (p.Glu2037Gly). This variant is not present in population databases (gnomAD no frequency). This variant has not been reported in the literature in individuals affected with BRCA2-related conditions. ClinVar contains an entry for this variant (Variation ID: 2081691). Invitae Evidence Modeling of protein sequence and biophysical properties (such as structural, functional, and spatial information, amino acid conservation, physicochemical variation, residue mobility, and thermodynamic stability) indicates that this missense variant is not expected to disrupt BRCA2 protein function with a negative predictive value of 95%. In summary, the available evidence is currently insufficient to determine the role of this variant in disease. Therefore, it has been classified as a Variant of Uncertain Significance.

University of Washington Department of Laboratory Medicine, University of Washington
Classification: Likely benign for Hereditary cancer-predisposing syndrome. Last evaluated: 2023-03-23. Review status: criteria provided, single submitter. Criteria: Dines et al. (Genet Med. 2020). Collection method: curation. Allele origin: germline.
Comment: Missense variant in a coldspot region where missense variants are very unlikely to be pathogenic (PMID:31911673).

BRCA2 exon 11 coldspot. Reclassification based on statistical prior probability.

NM_000059.4(BRCA2):c.6110A>G (p.Glu2037Gly)

Gene: BRCA2 (BRCA2 DNA repair associated; plus strand). Cytogenetic location: 13q13.1.
Variant type: single nucleotide variant.
Coding change: c.6110A>G on transcript NM_000059.4 (MANE Select); coding-DNA position 6110, A replaced by G.
Protein change: p.Glu2037Gly; replaces glutamic acid 2037 with glycine.
Molecular consequence: missense variant.
Genome position (GRCh38, 1-based): chr13:32,340,465, A>G. VCF-style: chr13-32340465-A-G. GRCh37 (hg19) VCF-style: chr13-32914602-A-G.
Other names: c.6110A>G, p.Glu2037Gly (NM_001406719.1, NM_001406720.1); short protein forms E2037G.
Identifiers: ClinVar variation 2081691 (VCV002081691.6), dbSNP rs2137524392, ClinGen allele CA387788125.